The following is an entry in ClinVar:

NM_000875.5(IGF1R):c.71C>T (p.Ser24Leu)

Genes: IGF1R (insulin like growth factor 1 receptor; plus strand), IRAIN (IGF1R antisense imprinted non-protein coding RNA; minus strand). Cytogenetic location: 15q26.3.
Variant type: single nucleotide variant.
Coding change: c.71C>T on transcript NM_000875.5 (MANE Select); coding-DNA position 71, C replaced by T.
Protein change: p.Ser24Leu; replaces serine 24 with leucine.
Molecular consequence: missense variant. On other transcripts: non-coding transcript variant (1).
Genome position (GRCh38, 1-based): chr15:98,649,652, C>T. VCF-style: chr15-98649652-C-T. GRCh37 (hg19) VCF-style: chr15-99192881-C-T.
Other names: c.71C>T, p.Ser24Leu (NM_001291858.2); short protein forms S24L.
Identifiers: ClinVar variation 973337 (VCV000973337.4), dbSNP rs1013771934, ClinGen allele CA275806472.

ClinVar aggregate classification (germline): Uncertain significance. Review status: criteria provided, multiple submitters, no conflicts (2 of 4 stars). 2 submissions from 2 submitters: Uncertain significance (2). Last evaluated 2023-01-05.

Conditions:
Growth delay due to insulin-like growth factor I resistance. Also called: Insulin-Like Growth Factor I Resistance; Somatomedin end-organ insensitivity to; Somatomedin-c resistance to; IGF-1 resistance; IGF-I RESISTANCE. Identifiers: Orphanet 73273, MedGen C1849157, MONDO:0010038, OMIM 270450.

gnomAD v4.1: 3 of 1,610,432 alleles (0.00019%); highest among the groups gnomAD compares: Non-Finnish European, 0.00025%; no homozygotes.

Submissions (2):

Labcorp Genetics (formerly Invitae), Labcorp
Classification: Uncertain significance. Last evaluated: 2023-01-05. Review status: criteria provided, single submitter. Criteria: Invitae Variant Classification Sherloc (09022015). Collection method: clinical testing. Allele origin: germline.
Comment: In summary, the available evidence is currently insufficient to determine the role of this variant in disease. Therefore, it has been classified as a Variant of Uncertain Significance. Algorithms developed to predict the effect of missense changes on protein structure and function (SIFT, PolyPhen-2, Align-GVGD) all suggest that this variant is likely to be tolerated. ClinVar contains an entry for this variant (Variation ID: 973337). This variant has not been reported in the literature in individuals affected with IGF1R-related conditions. This variant is not present in population databases (gnomAD no frequency). This sequence change replaces serine, which is neutral and polar, with leucine, which is neutral and non-polar, at codon 24 of the IGF1R protein (p.Ser24Leu).

UNC Molecular Genetics  Laboratory, University of North Carolina at Chapel Hill
Classification: Uncertain significance for Growth delay due to insulin-like growth factor I resistance. Review status: criteria provided, single submitter. Criteria: ACMG Guidelines, 2015. Collection method: research. Allele origin: germline. Observed: 1 variant allele. Study: CSER_NCGENES_2.
Comment: The IGF1R c.71C>T p.Ser24Leu missense variant is predicted to change a single amino acid in the protein coding region from a serine to a leucine. This is a rare variant not reported in any control population or patient databases and is a variant of uncertain significance.